The following is an entry in ClinVar:

ClinVar aggregate classification (germline): Uncertain significance (1 of 4 stars; one submission).

Conditions:
Tooth agenesis, selective, 4 (STHAG4). Also called: LATERAL INCISORS, ABSENCE OF; LATERAL INCISORS, PEGGED OR MISSING; SUCCEDANEOUS TEETH, AGENESIS OF; TOOTH AGENESIS, SELECTIVE, 4, WITH OR WITHOUT ECTODERMAL DYSPLASIA. Identifiers: Orphanet 99798, MedGen C1835492, MONDO:0007881, OMIM 150400. Disease mechanism: loss of function.
Odonto-onycho-dermal dysplasia. Identifiers: Orphanet 2721, MedGen C0796093, MONDO:0009773, OMIM 257980.

gnomAD v4.1: 1 of 1,550,580 alleles (0.000064%); highest among the groups gnomAD compares: Non-Finnish European, 0.000087%; no homozygotes.

Submission:

Labcorp Genetics (formerly Invitae), Labcorp
Classification: Uncertain significance for Tooth agenesis, selective, 4; Odonto-onycho-dermal dysplasia. Last evaluated: 2022-05-17. Review status: criteria provided, single submitter. Criteria: Invitae Variant Classification Sherloc (09022015). Collection method: clinical testing. Allele origin: germline.
Comment: This sequence change replaces cysteine, which is neutral and slightly polar, with serine, which is neutral and polar, at codon 416 of the WNT10A protein (p.Cys416Ser). This variant is not present in population databases (gnomAD no frequency). This variant has not been reported in the literature in individuals affected with WNT10A-related conditions. Advanced modeling of protein sequence and biophysical properties (such as structural, functional, and spatial information, amino acid conservation, physicochemical variation, residue mobility, and thermodynamic stability) performed at Invitae indicates that this missense variant is expected to disrupt WNT10A protein function. In summary, the available evidence is currently insufficient to determine the role of this variant in disease. Therefore, it has been classified as a Variant of Uncertain Significance.

NM_025216.3(WNT10A):c.1247G>C (p.Cys416Ser)

Genes: WNT10A (Wnt family member 10A; plus strand), LOC129935625 (ATAC-STARR-seq lymphoblastoid active region 17134; plus strand). Cytogenetic location: 2q35.
Variant type: single nucleotide variant.
Coding change: c.1247G>C on transcript NM_025216.3 (MANE Select); coding-DNA position 1247, G replaced by C.
Protein change: p.Cys416Ser; replaces cysteine 416 with serine.
Molecular consequence: missense variant.
Genome position (GRCh38, 1-based): chr2:218,893,264, G>C. VCF-style: chr2-218893264-G-C. GRCh37 (hg19) VCF-style: chr2-219757986-G-C.
Other names: short protein forms C416S.
Identifiers: ClinVar variation 2056394 (VCV002056394.4), dbSNP rs1085308031, ClinGen allele CA350592886.